The following is an entry in ClinVar:

ClinVar aggregate classification (germline): Uncertain significance (1 of 4 stars; one submission).

Submission:

GeneDx
Classification: Uncertain significance. Last evaluated: 2026-07-31. Review status: criteria provided, single submitter. Criteria: GeneDx Variant Classification Process June 2021. Collection method: clinical testing. Allele origin: germline.
Comment: Not observed at significant frequency in large population cohorts (gnomAD); Frameshift variant predicted to result in abnormal protein length as the last 53 amino acid(s) are replaced with 70 different amino acid(s) with an unclear effect on protein function; Has not been previously published as pathogenic or benign to our knowledge

NM_032208.3(ANTXR1):c.1533dup (p.Tyr512fs)

Gene: ANTXR1 (ANTXR cell adhesion molecule 1; plus strand). Cytogenetic location: 2p13.3.
Variant type: Duplication.
Coding change: c.1533dup on transcript NM_032208.3 (MANE Select); coding-DNA position 1533, one base duplicated (C; older notation c.1533dupC).
Protein change: p.Tyr512fs; shifts the reading frame from tyrosine 512.
Molecular consequence: frameshift variant.
Genome position (GRCh38, 1-based): chr2:69,245,323, C duplicated. VCF-style (leftmost placement, unchanged base first): chr2-69245322-T-TC. GRCh37 (hg19) VCF-style: chr2-69472454-T-TC.
Other names: short protein forms Y512fs.
Identifiers: ClinVar variation 4086306 (VCV004086306.2).
Genomic context (GRCh38, chr2:69,245,322, plus strand): 5'-AGCCAGCCAAGTACCCACTCAACAACGCCTACCACACCTCCTCGCCGCCTCCTGCCCCCA[T>TC]CTACACTCCCCCACCTCCTGCGCCCCACTGCCCTCCCCCGCCCCCCAGCGCCCCTACCCC-3'